The following is an entry in ClinVar:

NM_001130144.3(LTBP3):c.934G>A (p.Gly312Ser)

Gene: LTBP3 (latent transforming growth factor beta binding protein 3; minus strand). Cytogenetic location: 11q13.1.
Variant type: single nucleotide variant.
Coding change: c.934G>A on transcript NM_001130144.3 (MANE Select); coding-DNA position 934, G replaced by A.
Protein change: p.Gly312Ser; replaces glycine 312 with serine.
Molecular consequence: missense variant.
Genome position (GRCh38, 1-based): chr11:65,553,461, C>T on the plus strand (G>A on the coding strand, the complement: LTBP3 is on the minus strand). VCF-style: chr11-65553461-C-T. GRCh37 (hg19) VCF-style: chr11-65320932-C-T.
Other names: c.583G>A, p.Gly195Ser (NM_001164266.1); c.934G>A, p.Gly312Ser (NM_021070.4); short protein forms G195S, G312S.
Identifiers: ClinVar variation 4859315 (VCV004859315.1).

ClinVar aggregate classification (germline): Uncertain significance (1 of 4 stars; one submission).

Conditions:
Inborn genetic diseases. Identifiers: MedGen C0950123, MeSH D030342.

gnomAD v4.1: 3 of 1,612,556 alleles (0.00019%); highest among the groups gnomAD compares: Non-Finnish European, 0.00025%; no homozygotes.

Submission:

Ambry Genetics
Classification: Uncertain significance for Inborn genetic diseases. Last evaluated: 2026-04-23. Review status: criteria provided, single submitter. Criteria: Ambry Variant Classification Scheme 2023. Collection method: clinical testing. Allele origin: germline.
Comment: The p.G312S variant (also known as c.934G>A), located in coding exon 4 of the LTBP3 gene, results from a G to A substitution at nucleotide position 934. The glycine at codon 312 is replaced by serine, an amino acid with similar properties. This amino acid position is conserved. In addition, this alteration is predicted to be deleterious by in silico analysis. Based on the available evidence, the clinical significance of this variant remains unclear.